The following is an entry in ClinVar:

NM_005529.7(HSPG2):c.149A>T (p.His50Leu)

Gene: HSPG2 (heparan sulfate proteoglycan 2; minus strand). Cytogenetic location: 1p36.12.
Variant type: single nucleotide variant.
Coding change: c.149A>T on transcript NM_005529.7 (MANE Select); coding-DNA position 149, A replaced by T.
Protein change: p.His50Leu; replaces histidine 50 with leucine.
Molecular consequence: missense variant.
Genome position (GRCh38, 1-based): chr1:21,896,225, T>A on the plus strand (A>T on the coding strand, the complement: HSPG2 is on the minus strand). VCF-style: chr1-21896225-T-A. GRCh37 (hg19) VCF-style: chr1-22222718-T-A.
Other names: c.149A>T, p.His50Leu (NM_001291860.2); short protein forms H50L.
Identifiers: ClinVar variation 373152 (VCV000373152.24), dbSNP rs138518139, ClinGen allele CA674013.
Genomic context (GRCh38, chr1:21,896,225, plus strand): 5'-CTTGGCTCACCTCCTGAGATGCTGTCAGCCAGCATGTCCTCATCATCAGAAAGGTACGAA[T>A]GTGTCCAGCGCATTTGGCTTGCTGTGACGGTCTCTATGTCCTCAGGCAGAGACAAGCCAT-3'
Protein context (NP_005520.4, residues 40-60): TVTASQMRWT[His50Leu]SYLSDDEDML

ClinVar aggregate classification (germline): Conflicting classifications of pathogenicity. Review status: criteria provided, conflicting classifications (1 of 4 stars). 7 submissions from 6 submitters: Uncertain significance (3); Likely benign (3). 1 of the submissions does not count toward it. Last evaluated 2026-01-14.

Allele frequency attached by ClinVar (database versions not stated): ESP Exome Variant Server 0.00092; 1000 Genomes Project 0.00100; gnomAD 0.00108 and 0.00099; TOPMed 0.00118; 1000 Genomes Project 30x 0.00094.
gnomAD v4.1: 268 of 1,613,822 alleles (0.017%); highest among the groups gnomAD compares: African/African-American, 0.33%; no homozygotes.

Submissions (7):

Labcorp Genetics (formerly Invitae), Labcorp
Classification: Likely benign. Last evaluated: 2026-01-14. Review status: criteria provided, single submitter. Criteria: Invitae Variant Classification Sherloc (09022015). Collection method: clinical testing. Allele origin: germline.

Women's Health and Genetics/Laboratory Corporation of America, LabCorp
Classification: Likely benign. Last evaluated: 2024-02-27. Review status: criteria provided, single submitter. Criteria: LabCorp Variant Classification Summary - May 2015. Collection method: clinical testing. Allele origin: germline.
Comment: Variant summary: HSPG2 c.149A>T (p.His50Leu) results in a non-conservative amino acid change in the encoded protein sequence. Three of four in-silico tools predict a benign effect of the variant on protein function. The variant allele was found at a frequency of 0.00017 in 1606848 control chromosomes, predominantly at a frequency of 0.0033 within the African or African-American subpopulation in the gnomAD database. This frequency is higher than the estimated maximum expected for a pathogenic variant in HSPG2 causing Schwartz Jampel Syndrome Type 1 (~0.00056), suggesting that the variant might be benign. To our knowledge, no occurrence of c.149A>T in individuals affected with Schwartz Jampel Syndrome Type 1 and no experimental evidence demonstrating its impact on protein function have been reported. ClinVar contains an entry for this variant (Variation ID: 373152). Based on the evidence outlined above, the variant was classified as likely benign.

GeneDx
Classification: Uncertain significance. Last evaluated: 2021-06-18. Review status: criteria provided, single submitter. Criteria: GeneDx Variant Classification Process June 2021. Collection method: clinical testing. Allele origin: germline. Affected: yes.
Comment: Has not been previously published as pathogenic or benign to our knowledge; In silico analysis supports that this missense variant has a deleterious effect on protein structure/function; This variant is associated with the following publications: (PMID: 27535533)

Revvity Omics, Revvity
Classification: Uncertain significance. Last evaluated: 2020-04-02. Review status: criteria provided, single submitter. Criteria: ACMG Guidelines, 2015. Collection method: clinical testing. Allele origin: germline.

ARUP Laboratories, Molecular Genetics and Genomics, ARUP Laboratories
Classification: Uncertain significance. Last evaluated: 2017-08-17. Review status: criteria provided, single submitter. Criteria: ARUP Molecular Germline Variant Investigation Process. Collection method: clinical testing. Allele origin: germline.

Athena Diagnostics
Classification: Likely benign. Last evaluated: 2016-11-04. Review status: criteria provided, single submitter. Criteria: Athena Diagnostics Criteria. Collection method: clinical testing. Allele origin: germline.

GeneDx
Classification: Uncertain significance. Last evaluated: 2016-11-22. Review status: flagged submission. Criteria: GeneDx Variant Classification (06012015). Collection method: clinical testing. Allele origin: germline. Affected: yes. Not counted in ClinVar's aggregate classification.
Comment: The H50L variant in the HSPG2 gene has not been reported previously as a pathogenic variant, nor as a benign variant, to our knowledge. Although not present in the homozygous state, the NHLBI ESP Exome Sequencing Project reports H50L was observed in 12/4406 (0.27%) alleles from individuals of African American background, indicating it may be a rare variant in this population. The H50L variant is a non-conservative amino acid substitution, which is likely to impact secondary protein structure as these residues differ in polarity, charge, size and/or other properties. This substitution occurs at a position that is not conserved. In silico analysis is inconsistent in its predictions as to whether or not the variant is damaging to the protein structure/function. We interpret H50Las a variant of uncertain significance.
ClinVar note: Reason: This record appears to be redundant with a more recent record from the same submitter.
ClinVar note: Notes: SCV000491720 appears to be redundant with SCV001768218.